The following is an entry in ClinVar:

ClinVar aggregate classification (germline): Uncertain significance (1 of 4 stars; one submission).

Allele frequency attached by ClinVar (database versions not stated): gnomAD exomes below 0.00001.
gnomAD v4.1: 3 of 1,460,500 alleles (0.00021%); highest among the groups gnomAD compares: Non-Finnish European, 0.00027%; no homozygotes.

Submission:

CeGaT Center for Human Genetics Tuebingen
Classification: Uncertain significance. Last evaluated: 2024-02-01. Review status: criteria provided, single submitter. Criteria: CeGaT Center For Human Genetics Tuebingen Variant Classification Criteria Version 2. Collection method: clinical testing. Allele origin: germline. Affected: yes. Observed: 1 variant allele.
Comment: FBXO31: PM2

NM_024735.5(FBXO31):c.128G>T (p.Arg43Leu)

Gene: FBXO31 (F-box protein 31; minus strand). Cytogenetic location: 16q24.2.
Variant type: single nucleotide variant.
Coding change: c.128G>T on transcript NM_024735.5 (MANE Select); coding-DNA position 128, G replaced by T.
Protein change: p.Arg43Leu; replaces arginine 43 with leucine.
Molecular consequence: missense variant. On other transcripts: intron variant (1).
Genome position (GRCh38, 1-based): chr16:87,383,617, C>A on the plus strand (G>T on the coding strand, the complement: FBXO31 is on the minus strand). VCF-style: chr16-87383617-C-A. GRCh37 (hg19) VCF-style: chr16-87417223-C-A.
Other names: c.-177+6120G>T (NM_001282683.2); short protein forms R43L.
Identifiers: ClinVar variation 3026002 (VCV003026002.22), dbSNP rs2507937494, ClinGen allele CA397028685.
Genomic context (GRCh38, chr16:87,383,617, plus strand): 5'-GGGGGCGGCGGCGAGGGGCCCGCGCACAAGCCGCCCCCGACCCCGGCGCTAGCCTCGATG[C>A]GCTCCTCCTCGGGGTCTGTGTCCGGCTCGCTGTCGGCCGCCGCCGTCTCGGCCGGGCCCC-3'
Protein context (NP_079011.3, residues 33-53): SEPDTDPEEE[Arg43Leu]IEASAGVGGG